The following is an entry in ClinVar:

NM_198253.3(TERT):c.3032+1G>C

Gene: TERT (telomerase reverse transcriptase; minus strand). Cytogenetic location: 5p15.33.
Variant type: single nucleotide variant.
Coding change: c.3032+1G>C on transcript NM_198253.3 (MANE Select); the canonical splice donor site of the intron after coding-DNA position 3032, G replaced by C.
Molecular consequence: splice donor variant.
Genome position (GRCh38, 1-based): chr5:1,258,597, C>G on the plus strand (G>C on the coding strand, the complement: TERT is on the minus strand). VCF-style: chr5-1258597-C-G. GRCh37 (hg19) VCF-style: chr5-1258712-C-G.
Other names: c.2843+1G>C (NM_001193376.3).
Identifiers: ClinVar variation 1931718 (VCV001931718.5), dbSNP rs2478106403, ClinGen allele CA359068778.

ClinVar aggregate classification (germline): Likely pathogenic (1 of 4 stars; one submission).

Conditions:
Idiopathic Pulmonary Fibrosis. Also called: Idiopathic fibrosing alveolitis, chronic form; idiopathic fibrosing alveolitis. Identifiers: Orphanet 2032, MedGen C1800706, MeSH D054990, MONDO:0800504.
Dyskeratosis congenita, autosomal dominant 2. Identifiers: MedGen C3151443, MONDO:0013521, OMIM 613989.

Submission:

Labcorp Genetics (formerly Invitae), Labcorp
Classification: Likely pathogenic for Dyskeratosis congenita, autosomal dominant 2; Idiopathic Pulmonary Fibrosis. Last evaluated: 2022-05-10. Review status: criteria provided, single submitter. Criteria: Invitae Variant Classification Sherloc (09022015). Collection method: clinical testing. Allele origin: germline.
Comment: This variant is not present in population databases (gnomAD no frequency). This variant has not been reported in the literature in individuals affected with TERT-related conditions. Algorithms developed to predict the effect of sequence changes on RNA splicing suggest that this variant may disrupt the consensus splice site. In summary, the currently available evidence indicates that the variant is pathogenic, but additional data are needed to prove that conclusively. Therefore, this variant has been classified as Likely Pathogenic. This sequence change affects a donor splice site in intron 13 of the TERT gene. It is expected to disrupt RNA splicing. Variants that disrupt the donor or acceptor splice site typically lead to a loss of protein function (PMID: 16199547), and loss-of-function variants in TERT are known to be pathogenic (PMID: 16247010, 17460043).

Literature cited by the submitters: PubMed 16199547; PubMed 16247010; PubMed 17460043.